The following is an entry in ClinVar:

NM_001080517.3(SETD5):c.3641A>T (p.Asp1214Val)

Gene: SETD5 (SET domain containing 5; plus strand). Cytogenetic location: 3p25.3.
Variant type: single nucleotide variant.
Coding change: c.3641A>T on transcript NM_001080517.3 (MANE Select); coding-DNA position 3641, A replaced by T.
Protein change: p.Asp1214Val; replaces aspartic acid 1214 with valine.
Molecular consequence: missense variant.
Genome position (GRCh38, 1-based): chr3:9,475,077, A>T. VCF-style: chr3-9475077-A-T. GRCh37 (hg19) VCF-style: chr3-9516761-A-T.
Other names: c.3347A>T, p.Asp1116Val (NM_001292043.2, NM_001349451.2); short protein forms D1116V, D1214V.
Identifiers: ClinVar variation 3775004 (VCV003775004.1).

ClinVar aggregate classification (germline): Uncertain significance (1 of 4 stars; one submission).

Submission:

GeneDx
Classification: Uncertain significance. Last evaluated: 2024-09-26. Review status: criteria provided, single submitter. Criteria: GeneDx Variant Classification Process June 2021. Collection method: clinical testing. Allele origin: germline. Affected: yes.
Comment: Not observed at significant frequency in large population cohorts (gnomAD); In silico analysis indicates that this missense variant does not alter protein structure/function; Has not been previously published as pathogenic or benign to our knowledge